The following is an entry in ClinVar:

ClinVar aggregate classification (germline): Uncertain significance. Review status: criteria provided, multiple submitters, no conflicts (2 of 4 stars). 2 submissions from 2 submitters: Uncertain significance (2). Last evaluated 2025-08-13.

Conditions:
Inborn genetic diseases. Identifiers: MedGen C0950123, MeSH D030342.
MYH10-related disorder. Also called: MYH10-related condition.

gnomAD v4.1: 18 of 1,614,104 alleles (0.0011%); highest among the groups gnomAD compares: Non-Finnish European, 0.0015%; no homozygotes.

Submissions (2):

Ambry Genetics
Classification: Uncertain significance for Inborn genetic diseases. Last evaluated: 2025-08-13. Review status: criteria provided, single submitter. Criteria: Ambry Variant Classification Scheme 2023. Collection method: clinical testing. Allele origin: germline.

PreventionGenetics, part of Exact Sciences
Classification: Uncertain significance for MYH10-related condition. Last evaluated: 2024-11-27. Review status: criteria provided, single submitter. Criteria: ACMG Guidelines, 2015. Collection method: clinical testing. Allele origin: germline.
Comment: The MYH10 c.5575G>A variant is predicted to result in the amino acid substitution p.Glu1859Lys. To our knowledge, this variant has not been reported in the literature. This variant is reported in 0.0023% of alleles in individuals of European (Non-Finnish) descent in gnomAD. At this time, the clinical significance of this variant is uncertain due to the absence of conclusive functional and genetic evidence.

NM_001256012.3(MYH10):c.5575G>A (p.Glu1859Lys)

Gene: MYH10 (myosin heavy chain 10; minus strand). Cytogenetic location: 17p13.1.
Variant type: single nucleotide variant.
Coding change: c.5575G>A on transcript NM_001256012.3 (MANE Select); coding-DNA position 5575, G replaced by A.
Protein change: p.Glu1859Lys; replaces glutamic acid 1859 with lysine.
Molecular consequence: missense variant.
Genome position (GRCh38, 1-based): chr17:8,480,132, C>T on the plus strand (G>A on the coding strand, the complement: MYH10 is on the minus strand). VCF-style: chr17-8480132-C-T. GRCh37 (hg19) VCF-style: chr17-8383450-C-T.
Other names: c.5509G>A, p.Glu1837Lys (NM_001256095.2); c.5512G>A, p.Glu1838Lys (NM_001375266.1); c.5482G>A, p.Glu1828Lys (NM_005964.5); c.5575G>A (NM_001256012.1); short protein forms E1828K, E1837K, E1838K, E1859K.
Identifiers: ClinVar variation 4114555 (VCV004114555.2).